The following is an entry in ClinVar:

NM_003361.4(UMOD):c.276C>G (p.Cys92Trp)

Gene: UMOD (uromodulin; minus strand). Cytogenetic location: 16p12.3.
Variant type: single nucleotide variant.
Coding change: c.276C>G on transcript NM_003361.4 (MANE Select); coding-DNA position 276, C replaced by G.
Protein change: p.Cys92Trp; replaces cysteine 92 with tryptophan.
Molecular consequence: missense variant. On other transcripts: non-coding transcript variant (1).
Genome position (GRCh38, 1-based): chr16:20,349,025, G>C on the plus strand (C>G on the coding strand, the complement: UMOD is on the minus strand). VCF-style: chr16-20349025-G-C. GRCh37 (hg19) VCF-style: chr16-20360347-G-C.
Other names: c.276C>G, p.Cys92Trp (NM_001008389.3, NM_001378232.1, NM_001378233.1 and 3 more transcripts); c.375C>G, p.Cys125Trp (NM_001278614.2); short protein forms C125W, C92W.
Identifiers: ClinVar variation 2443293 (VCV002443293.3), dbSNP rs2507390389, ClinGen allele CA394986854.

ClinVar aggregate classification (germline): Pathogenic. Review status: criteria provided, single submitter (1 of 4 stars). 2 submissions from 2 submitters: Pathogenic (1). 1 of the submissions does not count toward it. Last evaluated 2022-11-03.

Conditions:
Familial juvenile hyperuricemic nephropathy type 1 (ADTKD1). Also called: Autosomal Dominant Tubulointerstitial Kidney Disease – UMOD; UMOD-Associated Kidney Disease; Uromodulin-associated kidney disease; Glomerulocystic kidney disease with hyperuricemia and isosthenuria; Medullary cystic kidney disease 2. Identifiers: Orphanet 209886, Orphanet 34149, Orphanet 88950, MedGen C4551496, MONDO:0008073, OMIM 162000.

Submissions (2):

Eurofins-Biomnis
Classification: Pathogenic for Familial juvenile hyperuricemic nephropathy type 1. Last evaluated: 2022-11-03. Review status: criteria provided, single submitter. Criteria: Accession Criteria ClinVar Biomnis. Collection method: clinical testing. Allele origin: germline. Affected: yes. Observed: 1 heterozygote.

Genetic Services Laboratory, University of Chicago
Classification: Uncertain significance. Last evaluated: 2022-08-29. Review status: no assertion criteria provided. Collection method: clinical testing. Allele origin: germline. Affected: no. Not counted in ClinVar's aggregate classification.
Comment: DNA sequence analysis of the UMOD gene demonstrated a sequence change, c.276C>G, in exon 3 that results in an amino acid change, p.Cys92Trp. This sequence change has not been described in population databases such as ExAC and gnomAD. The p.Cys92Trp change affects a highly conserved amino acid residue located in a domain of the UMOD protein that is known to be functional. The p.Cys92Trp substitution appears to be deleterious using several in-silico pathogenicity prediction tools (SIFT, PolyPhen2, Align GVGD, REVEL). This sequence change does not appear to have been previously described in individuals with UMOD-related disorders, however, other missense variants at this same position (p.Cys92Arg, p.Cys92Gly, Cys92Tyr), have been reported in individuals with tubulointerstitial kidney disease (PMID: 31672324, 31672324, 32954071, 32450155, 32450155). Due to insufficient evidences and the lack of functional studies, the clinical significance of the p.Cys92Trp change remains unknown at this time.